The following is an entry in ClinVar:

ClinVar aggregate classification (germline): Uncertain significance (1 of 4 stars; one submission).

Conditions:
ZNF462-related disorder. Also called: ZNF462-related condition; ZNF462 related disease.

Submission:

PreventionGenetics, part of Exact Sciences
Classification: Uncertain significance for ZNF462-related condition. Last evaluated: 2025-07-10. Review status: criteria provided, single submitter. Criteria: ACMG Guidelines, 2015. Collection method: clinical testing. Allele origin: germline.
Comment: The ZNF462 c.602C>T variant is predicted to result in the amino acid substitution p.Pro201Leu. To our knowledge, this variant has not been reported in the literature or in a large population database (gnomAD), indicating this variant is rare. At this time, the clinical significance of this variant is uncertain due to the absence of conclusive functional and genetic evidence.

NM_021224.6(ZNF462):c.602C>T (p.Pro201Leu)

Gene: ZNF462 (zinc finger protein 462; plus strand). Cytogenetic location: 9q31.2.
Variant type: single nucleotide variant.
Coding change: c.602C>T on transcript NM_021224.6 (MANE Select); coding-DNA position 602, C replaced by T.
Protein change: p.Pro201Leu; replaces proline 201 with leucine.
Molecular consequence: missense variant.
Genome position (GRCh38, 1-based): chr9:106,924,514, C>T. VCF-style: chr9-106924514-C-T. GRCh37 (hg19) VCF-style: chr9-109686795-C-T.
Other names: c.602C>T, p.Pro201Leu (NM_001347997.2); short protein forms P201L.
Identifiers: ClinVar variation 4998673 (VCV004998673.1).
Genomic context (GRCh38, chr9:106,924,514, plus strand): 5'-AGAAGATGTATCACAAAAACAATTTGAAGGAGACCACTGCTCCCCCACCTGCTCCTGCTC[C>T]AATGCCAGACCCTGTGGTTCCGCCCGTATCACTGCAGGACCCCTGCAAGGAACTGCCAGC-3'
Protein context (NP_067047.4, residues 191-211): ETTAPPPAPA[Pro201Leu]MPDPVVPPVS